The following is an entry in ClinVar:

ClinVar aggregate classification (germline): Uncertain significance (1 of 4 stars; one submission).

Conditions:
Hereditary cancer-predisposing syndrome. Also called: Neoplastic Syndromes, Hereditary; Tumor predisposition; Hereditary Cancer Syndrome; Hereditary neoplastic syndrome. Identifiers: Orphanet 140162, MedGen C0027672, MeSH D009386, MONDO:0015356.

Submission:

Ambry Genetics
Classification: Uncertain significance for Hereditary cancer-predisposing syndrome. Last evaluated: 2024-11-16. Review status: criteria provided, single submitter. Criteria: Ambry Variant Classification Scheme 2023. Collection method: clinical testing. Allele origin: germline.
Comment: The p.N708K variant (also known as c.2124C>A), located in coding exon 12 of the PMS2 gene, results from a C to A substitution at nucleotide position 2124. The asparagine at codon 708 is replaced by lysine, an amino acid with similar properties. This amino acid position is conserved. In addition, the in silico prediction for this alteration is inconclusive. Based on the available evidence, the clinical significance of this variant remains unclear.

NM_000535.7(PMS2):c.2124C>A (p.Asn708Lys)

Gene: PMS2 (PMS1 homolog 2, mismatch repair system component; minus strand). Cytogenetic location: 7p22.1.
Variant type: single nucleotide variant.
Coding change: c.2124C>A on transcript NM_000535.7 (MANE Select); coding-DNA position 2124, C replaced by A.
Protein change: p.Asn708Lys; replaces asparagine 708 with lysine.
Molecular consequence: missense variant. On other transcripts: intron variant (4), non-coding transcript variant (1).
Genome position (GRCh38, 1-based): chr7:5,982,874, G>T on the plus strand (C>A on the coding strand, the complement: PMS2 is on the minus strand). VCF-style: chr7-5982874-G-T. GRCh37 (hg19) VCF-style: chr7-6022505-G-T.
Other names: c.1601+3885C>A (NM_001406910.1, NM_001406908.1); c.1688+3885C>A (NM_001406903.1); c.2006+3885C>A (NM_001406872.1); c.1719C>A, p.Asn573Lys (NM_001322003.2, NM_001322004.2, NM_001322005.2 and 14 more transcripts); c.1968C>A, p.Asn656Lys (NM_001322006.2, NM_001406870.1); c.1806C>A, p.Asn602Lys (NM_001322007.2, NM_001322008.2, NM_001406876.1 and 1 more transcripts); c.1563C>A, p.Asn521Lys (NM_001322010.2, NM_001406906.1, NM_001406907.1); c.1191C>A, p.Asn397Lys (NM_001322011.2, NM_001322012.2); and 16 more; short protein forms N517K, N550K, N573K, N596K, N672K, N307K, N451K, N537K.
Identifiers: ClinVar variation 3421537 (VCV003421537.1).